The following is an entry in ClinVar:

ClinVar aggregate classification (germline): Uncertain significance (1 of 4 stars; one submission).

Submission:

GeneDx
Classification: Uncertain significance. Last evaluated: 2022-12-15. Review status: criteria provided, single submitter. Criteria: GeneDx Variant Classification Process June 2021. Collection method: clinical testing. Allele origin: germline. Affected: yes.
Comment: Not observed at significant frequency in large population cohorts (gnomAD); In silico analysis supports that this missense variant has a deleterious effect on protein structure/function; Has not been previously published as pathogenic or benign to our knowledge

NM_000875.5(IGF1R):c.3031G>C (p.Gly1011Arg)

Gene: IGF1R (insulin like growth factor 1 receptor; plus strand). Cytogenetic location: 15q26.3.
Variant type: single nucleotide variant.
Coding change: c.3031G>C on transcript NM_000875.5 (MANE Select); coding-DNA position 3031, G replaced by C.
Protein change: p.Gly1011Arg; replaces glycine 1011 with arginine.
Molecular consequence: missense variant.
Genome position (GRCh38, 1-based): chr15:98,934,898, G>C. VCF-style: chr15-98934898-G-C. GRCh37 (hg19) VCF-style: chr15-99478127-G-C.
Other names: c.3028G>C, p.Gly1010Arg (NM_001291858.2); short protein forms G1010R, G1011R.
Identifiers: ClinVar variation 1809882 (VCV001809882.1), dbSNP rs2506058836, ClinGen allele CA393657817.